The following is an entry in ClinVar:

NM_000051.3(ATM):c.2839-579_2839-576del

Gene: ATM (ATM serine/threonine kinase; plus strand). Cytogenetic location: 11q22.3.
Variant type: Deletion.
Coding change: c.2839-579_2839-576del on transcript NM_000051.3; 579 bases into the intron before coding-DNA position 2839 through 576 bases into the intron before coding-DNA position 2839, 4 bases deleted (AAGT; older notation c.2839-579_2839-576delAAGT).
Molecular consequence: intron variant (on NM_000051.4).
Genome position (GRCh38, 1-based): chr11:108,270,485-108,270,488, AAGT deleted; deleting any 4 consecutive bases within chr11:108,270,483-108,270,488 gives the same sequence; the c. name uses the placement nearest the transcript's 3' end. VCF-style (leftmost placement, unchanged base first): chr11-108270482-GGTAA-G. GRCh37 (hg19) VCF-style: chr11-108141209-GGTAA-G.
Other names: c.2839-579_2839-576delAAGT (NM_000051.3); c.2839-579_2839-576del (NM_001351834.2, NM_000051.4).
Identifiers: ClinVar variation 3043 (VCV000003043.31), dbSNP rs587776552, ClinGen allele CA252541.

ClinVar aggregate classification (germline): Pathogenic/Likely pathogenic. Review status: criteria provided, multiple submitters, no conflicts (2 of 4 stars). 15 submissions from 15 submitters: Pathogenic (10); Likely pathogenic (3). 2 of the submissions do not count toward it. Last evaluated 2026-02-03.

Conditions:
ATM-related cancer predisposition. Also called: ATM-related cancer susceptibility. Identifiers: MedGen CN377759, MONDO:0700270.
ATM-related disorder. Also called: ATM-related disorders; ATM-related condition.
Hereditary cancer-predisposing syndrome. Also called: Neoplastic Syndromes, Hereditary; Tumor predisposition; Hereditary Cancer Syndrome; Hereditary neoplastic syndrome. Identifiers: Orphanet 140162, MedGen C0027672, MeSH D009386, MONDO:0015356.
Familial cancer of breast. Also called: BREAST CANCER, FAMILIAL; Hereditary breast cancer; hereditary breast carcinoma. Identifiers: Orphanet 227535, MedGen C0346153, MONDO:0016419, OMIM 114480. Disease mechanism: loss of function.
Ataxia-telangiectasia syndrome (AT). Also called: Cerebello-oculocutaneous telangiectasia; Immunodeficiency with ataxia telangiectasia; ATAXIA-TELANGIECTASIA, COMPLEMENTATION GROUP A; ATAXIA-TELANGIECTASIA, FRESNO VARIANT; Ataxia-telangiectasia; Ataxia-telangiectasia, complementation group D. Identifiers: Orphanet 100, MedGen C0004135, MONDO:0008840, OMIM 208900.

Submissions 1 to 10 of 15:

Labcorp Genetics (formerly Invitae), Labcorp
Classification: Pathogenic for Ataxia-telangiectasia syndrome. Last evaluated: 2026-02-03. Review status: criteria provided, single submitter. Criteria: Invitae Variant Classification Sherloc (09022015). Collection method: clinical testing. Allele origin: germline.
Comment: This sequence change falls in intron 18 of the ATM gene. It does not directly change the encoded amino acid sequence of the ATM protein. RNA analysis indicates that this variant induces altered splicing and may result in an absent or altered protein product. This variant is not present in population databases (gnomAD no frequency). This variant has been observed in individual(s) with ataxia-telangiectasia (PMID: 11889466, 14695534; internal data). In at least one individual the data is consistent with being in trans (on the opposite chromosome) from a pathogenic variant. This variant is also known as a deletion of 4 bp (GTAA) in intron 20, IVS20+1874delGTAA, and IVS20-579delAAGT. ClinVar contains an entry for this variant (Variation ID: 3043). Studies have shown that this variant alters mRNA splicing and is expected to lead to the loss of protein expression (PMID: 11889466, 14695534, 19773425; internal data). For these reasons, this variant has been classified as Pathogenic.

Ambry Genetics
Classification: Pathogenic for Hereditary cancer-predisposing syndrome. Last evaluated: 2025-12-08. Review status: criteria provided, single submitter. Criteria: Ambry Variant Classification Scheme 2023. Collection method: clinical testing. Allele origin: germline.
Comment: The c.2839-579_2839-576delAAGT intronic pathogenic mutation, located in intron 17 of the ATM gene, results from a deletion of 4 nucleotides within intron 17 of the ATM gene. This variant has been identified in the homozygous state and/or in conjunction with other ATM variant(s) in individual(s) with features consistent with ataxia telangiectasia; cell lines derived from these patients showed radiosensitivity and low or no detectable ATM protein (Mitui M et al. Hum. Mutat., 2003 Jul;22:43-50; Eng L et al. Hum. Mutat., 2004 Jan;23:67-76; Pagani F et al. Nat. Genet., 2002 Apr;30:426-9; Pastor T et al. Nucleic Acids Res., 2009 Nov;37:7258-67). This variant results in the inclusion of 65 nucleotides of intron 17 leading to a predicted frameshift and premature termination codon (Pagani F et al. Nat. Genet., 2002 Apr;30:426-9; Eng L et al. Hum. Mutat., 2004 Jan;23:67-76). Based on the supporting evidence, this alteration is interpreted as a disease-causing mutation.

Dasa
Classification: Pathogenic. Last evaluated: 2025-11-27. Review status: criteria provided, single submitter. Criteria: DASA Assertion Criteria. Collection method: clinical testing. Allele origin: germline.
Comment: NM_000051.4(ATM):c.2839-579_2839-576del is an intronic variant. This variant has been recurrently observed in individuals with ATM-related disorders (PMID: 11889466; PMID: 14695534). Functional evidence supports an impact on the gene or gene product (PMID: 11889466; PMID: 14695534). Also, this variant is absent from population databases. Computational evidence supports a deleterious effect. Based on the currently available evidence, this variant is classified as pathogenic.

PreventionGenetics, part of Exact Sciences
Classification: Pathogenic for ATM-related condition. Last evaluated: 2025-09-15. Review status: criteria provided, single submitter. Criteria: ACMG Guidelines, 2015. Collection method: clinical testing. Allele origin: germline.
Comment: The ATM c.2839-579_2839-576delAAGT variant is predicted to result in an intronic deletion. This variant was reported in multiple individuals with ataxia telangiectasia (Pagani et al 2002. PubMed ID: 11889466; Pastor T et al 2009. PubMed ID: 19773425; Eng et al. 2004. PubMed ID: 14695534). Functional studies have shown that this variant alters mRNA splicing and is expected to lead to the loss of protein expression (Pagani et al 2002. PubMed ID: 11889466; Pastor T et al 2009. PubMed ID: 19773425). This variant has not been reported in a large population database (gnomad), indicating this variant is rare. This variant is interpreted as likely pathogenic/pathogenic in ClinVar (Variation ID: 3043). This variant is interpreted as pathogenic.

3billion
Classification: Pathogenic for Ataxia-telangiectasia syndrome. Last evaluated: 2024-11-26. Review status: criteria provided, single submitter. Criteria: ACMG Guidelines, 2015. Collection method: clinical testing. Allele origin: germline. Affected: yes.
Comment: The variant is not observed in the gnomAD v4.1.0 dataset. Predicted Consequence/Location: Intron variant: previously reported to alter splicing and result in a loss of normal protein function through nonsense-mediated decay (NMD) or protein truncation (PMID: 11889466, 14695534). In silico tools predict the variant to alter splicing and produce an abnormal transcript [SpliceAI: 0.66 (spliceogenicity >=0.2, non-spliceogenicity <0.1)]. Intron variant: previously reported to alter splicing and result in a loss of normal protein function through nonsense-mediated decay (NMD) or protein truncation (PMID: 11889466, 14695534). Therefore, this variant is classified as Pathogenic according to the recommendation of ACMG/AMP guideline.

Institute of Medical Genetics and Applied Genomics, University Hospital Tübingen
Classification: Pathogenic for Ataxia-telangiectasia syndrome. Last evaluated: 2024-05-21. Review status: criteria provided, single submitter. Criteria: ACMG Guidelines, 2015. Collection method: clinical testing. Allele origin: germline. Inheritance: Autosomal recessive inheritance. Affected: yes.

Baylor Genetics
Classification: Pathogenic for Familial cancer of breast. Last evaluated: 2024-03-14. Review status: criteria provided, single submitter. Criteria: ACMG Guidelines, 2015. Collection method: clinical testing. Allele origin: unknown.

Color Diagnostics, LLC DBA Color Health
Classification: Pathogenic for Hereditary cancer-predisposing syndrome. Last evaluated: 2023-11-07. Review status: criteria provided, single submitter. Criteria: ACMG Guidelines, 2015. Collection method: clinical testing. Allele origin: germline.
Comment: This variant causes a 4 base-pair deletion in intron 18 of the ATM gene and is described in the literature as 'a deletion of 4 bp (GTAA) in intron 20' (numbering based on the U33841 transcript) and 'IVS20-579del-AAGT'. RNA studies have shown that this variant disrupts a non-canonical U1 small nuclear ribonucleoprotein binding site resulting in the insertion of a 65 base-pair cryptic exon, which is predicted to cause a frameshift and premature stop codon (PMID: 11889466, 12815592, 14695534, 19773425). An allele-specific RT-PCR assay using cells from a carrier individual has shown that the mutant allele does not produce normal transcript (PMID: 11889466). This variant has been reported in the compound heterozygous state in individuals affected with ataxia telangiectasia (PMID: 11889466, 12815592, 14695534, 22213089). Lymphoblastoid cell lines derived from two of these individuals showed radiosensitivity and a significant reduction in protein expression (PMID: 14695534). This variant has not been identified in the general population by the Genome Aggregation Database (gnomAD). Loss of ATM function is a known mechanism of disease. Based on the available evidence, this variant is classified as Pathogenic.

GeneDx
Classification: Pathogenic. Last evaluated: 2023-08-25. Review status: criteria provided, single submitter. Criteria: GeneDx Variant Classification Process June 2021. Collection method: clinical testing. Allele origin: germline. Affected: yes.
Comment: Non-canonical splice site variant demonstrated to result in loss-of-function (Pagani et al., 2002; Kim et al., 2023); No data available from control populations to assess the frequency of this variant; Also known as IVS20-579delAAGT or IVS20-579_IVS20-576delAAGT; This variant is associated with the following publications: (PMID: 19823873, 19773425, 14695534, 31611883, 11889466, 22213089, 12815592, 37438524)

Myriad Genetics, Inc.
Classification: Likely pathogenic for Familial cancer of breast. Last evaluated: 2023-01-11. Review status: criteria provided, single submitter. Criteria: Myriad Autosomal Dominant, Autosomal Recessive and X-Linked Classification Criteria (2023). Collection method: clinical testing. Allele origin: unknown.
Comment: This variant is considered likely pathogenic. This variant occurs within a consensus splice junction and is predicted to result in abnormal mRNA splicing of either an out-of-frame exon or an in-frame exon necessary for protein stability and/or normal function. This variant has been reported in multiple individuals with clinical features of gene-specific disease [PMID: 11889466, 12815592, 14695534, 22213089]. Functional studies indicate this variant impacts protein function [PMID: 11889466].